The following is an entry in ClinVar:

ClinVar aggregate classification (germline): Uncertain significance (1 of 4 stars; one submission).

gnomAD v4.1: 1 of 1,592,866 alleles (0.000063%); highest among the groups gnomAD compares: Non-Finnish European, 0.000085%; no homozygotes.

Submission:

Labcorp Genetics (formerly Invitae), Labcorp
Classification: Uncertain significance. Last evaluated: 2022-07-26. Review status: criteria provided, single submitter. Criteria: Invitae Variant Classification Sherloc (09022015). Collection method: clinical testing. Allele origin: germline.
Comment: In summary, the available evidence is currently insufficient to determine the role of this variant in disease. Therefore, it has been classified as a Variant of Uncertain Significance. Algorithms developed to predict the effect of missense changes on protein structure and function are either unavailable or do not agree on the potential impact of this missense change (SIFT: "Tolerated"; PolyPhen-2: "Probably Damaging"; Align-GVGD: "Class C0"). ClinVar contains an entry for this variant (Variation ID: 1380888). This variant has not been reported in the literature in individuals affected with SPEG-related conditions. This variant is not present in population databases (gnomAD no frequency). This sequence change replaces proline, which is neutral and non-polar, with alanine, which is neutral and non-polar, at codon 2362 of the SPEG protein (p.Pro2362Ala).

NM_005876.5(SPEG):c.7084C>G (p.Pro2362Ala)

Genes: ASIC4-AS1 (ASIC4 antisense RNA 1; minus strand), SPEG (striated muscle enriched protein kinase; plus strand). Cytogenetic location: 2q35.
Variant type: single nucleotide variant.
Coding change: c.7084C>G on transcript NM_005876.5 (MANE Select); coding-DNA position 7084, C replaced by G.
Protein change: p.Pro2362Ala; replaces proline 2362 with alanine.
Molecular consequence: missense variant.
Genome position (GRCh38, 1-based): chr2:219,484,547, C>G. VCF-style: chr2-219484547-C-G. GRCh37 (hg19) VCF-style: chr2-220349269-C-G.
Other names: short protein forms P2362A.
Identifiers: ClinVar variation 1380888 (VCV001380888.8), dbSNP rs756975550, ClinGen allele CA350700777.
Genomic context (GRCh38, chr2:219,484,547, plus strand): 5'-GAGTCGCCCCTGTCGCTGGGGCTGCGGCTGCTGAGCCGTTCGCGCTCGGAGGAGCGCGGC[C>G]CCTTCCGTGGGGCCGAGGAGGAGGATGGCATATACCGGCCCAGCCCGGCGGGGACCCCGC-3'
Protein context (NP_005867.3, residues 2352-2372): LSRSRSEERG[Pro2362Ala]FRGAEEEDGI